The following is an entry in ClinVar:

ClinVar aggregate classification (germline): Pathogenic (1 of 4 stars; one submission).

Conditions:
Oligodontia-cancer predisposition syndrome. Also called: TOOTH AGENESIS-COLORECTAL CANCER SYNDROME. Identifiers: Orphanet 300576, MedGen C1837750, MONDO:0012075, OMIM 608615. Disease mechanism: loss of function.

Submission:

Labcorp Genetics (formerly Invitae), Labcorp
Classification: Pathogenic for Oligodontia-cancer predisposition syndrome. Last evaluated: 2024-01-13. Review status: criteria provided, single submitter. Criteria: Invitae Variant Classification Sherloc (09022015). Collection method: clinical testing. Allele origin: germline.
Comment: This sequence change creates a premature translational stop signal (p.Gln731*) in the AXIN2 gene. It is expected to result in an absent or disrupted protein product. Loss-of-function variants in AXIN2 are known to be pathogenic (PMID: 15042511, 21416598). This variant is not present in population databases (gnomAD no frequency). This variant has not been reported in the literature in individuals affected with AXIN2-related conditions. For these reasons, this variant has been classified as Pathogenic.

Literature cited by the submitters: PubMed 15042511; PubMed 21416598.

NM_004655.4(AXIN2):c.2191C>T (p.Gln731Ter)

Gene: AXIN2 (axin 2; minus strand). Cytogenetic location: 17q24.1.
Variant type: single nucleotide variant.
Coding change: c.2191C>T on transcript NM_004655.4 (MANE Select); coding-DNA position 2191, C replaced by T.
Protein change: p.Gln731Ter; replaces glutamine 731 with a stop codon.
Molecular consequence: nonsense.
Genome position (GRCh38, 1-based): chr17:65,535,672, G>A on the plus strand (C>T on the coding strand, the complement: AXIN2 is on the minus strand). VCF-style: chr17-65535672-G-A. GRCh37 (hg19) VCF-style: chr17-63531790-G-A.
Other names: c.1996C>T, p.Gln666Ter (NM_001363813.1); short protein forms Q666*, Q731*.
Identifiers: ClinVar variation 2709213 (VCV002709213.3), dbSNP rs2043899828, ClinGen allele CA400675783.